The following is an entry in ClinVar:

NM_001375405.1(CEP120):c.2175G>C (p.Gln725His)

Gene: CEP120 (centrosomal protein 120; minus strand). Cytogenetic location: 5q23.2.
Variant type: single nucleotide variant.
Coding change: c.2175G>C on transcript NM_001375405.1 (MANE Select); coding-DNA position 2175, G replaced by C.
Protein change: p.Gln725His; replaces glutamine 725 with histidine.
Molecular consequence: missense variant. On other transcripts: non-coding transcript variant (1).
Genome position (GRCh38, 1-based): chr5:123,378,357, C>G on the plus strand (G>C on the coding strand, the complement: CEP120 is on the minus strand). VCF-style: chr5-123378357-C-G. GRCh37 (hg19) VCF-style: chr5-122714051-C-G.
Other names: c.2175G>C (NM_153223.3); c.2097G>C, p.Gln699His (NM_001166226.2); c.2040G>C, p.Gln680His (NM_001375406.1); c.2175G>C, p.Gln725His (NM_001375407.1, NM_153223.4); c.1602G>C, p.Gln534His (NM_001375408.1, NM_001375409.1); short protein forms Q725H, Q699H, Q534H, Q680H.
Identifiers: ClinVar variation 2050693 (VCV002050693.5), dbSNP rs560737688, ClinGen allele CA3386727.
Genomic context (GRCh38, chr5:123,378,357, plus strand): 5'-CTCTATGCTGAAAAAAAATACAATGGACGAATGACATACCTCTGATTCCACACTAGCAAG[C>G]TGCTGCTCTCGCTTCTCCAAGTCAATTAGAGTTTTTTGAAGTTTTCCTTCTAGAATAGTA-3'
Protein context (NP_001362334.1, residues 715-735): TLIDLEKREQ[Gln725His]LASVESELQR

ClinVar aggregate classification (germline): Conflicting classifications of pathogenicity. Review status: criteria provided, conflicting classifications (1 of 4 stars). 2 submissions from 2 submitters: Uncertain significance (1); Likely benign (1). Last evaluated 2025-06-17.

Conditions:
Inborn genetic diseases. Identifiers: MedGen C0950123, MeSH D030342.
Short-rib thoracic dysplasia 13 with or without polydactyly (SRTD13). Identifiers: Orphanet 474, MedGen C4225378, MONDO:0014577, OMIM 616300.

Allele frequency attached by ClinVar (database versions not stated): ExAC 0.00007; 1000 Genomes Project 30x 0.00016; 1000 Genomes Project 0.00020; gnomAD 0.00001.
gnomAD v4.1: 19 of 1,607,334 alleles (0.0012%); highest among the groups gnomAD compares: South Asian, 0.019%; 1 homozygote.

Submissions (2):

Ambry Genetics
Classification: Likely benign for Inborn genetic diseases. Last evaluated: 2025-06-17. Review status: criteria provided, single submitter. Criteria: Ambry Variant Classification Scheme 2023. Collection method: clinical testing. Allele origin: germline.

Labcorp Genetics (formerly Invitae), Labcorp
Classification: Uncertain significance for Short-rib thoracic dysplasia 13 with or without polydactyly. Last evaluated: 2021-12-13. Review status: criteria provided, single submitter. Criteria: Invitae Variant Classification Sherloc (09022015). Collection method: clinical testing. Allele origin: germline.
Comment: This sequence change replaces glutamine, which is neutral and polar, with histidine, which is basic and polar, at codon 725 of the CEP120 protein (p.Gln725His). This variant is present in population databases (rs560737688, gnomAD 0.05%). This variant has not been reported in the literature in individuals affected with CEP120-related conditions. Algorithms developed to predict the effect of missense changes on protein structure and function are either unavailable or do not agree on the potential impact of this missense change (SIFT: "Deleterious"; PolyPhen-2: "Benign"; Align-GVGD: "Class C15"). In summary, the available evidence is currently insufficient to determine the role of this variant in disease. Therefore, it has been classified as a Variant of Uncertain Significance.